The following is an entry in ClinVar:

NM_000642.3(AGL):c.4225C>G (p.Leu1409Val)

Gene: AGL (amylo-alpha-1,6-glucosidase and 4-alpha-glucanotransferase; plus strand). Cytogenetic location: 1p21.2.
Variant type: single nucleotide variant.
Coding change: c.4225C>G on transcript NM_000642.3 (MANE Select); coding-DNA position 4225, C replaced by G.
Protein change: p.Leu1409Val; replaces leucine 1409 with valine.
Molecular consequence: missense variant.
Genome position (GRCh38, 1-based): chr1:99,915,452, C>G. VCF-style: chr1-99915452-C-G. GRCh37 (hg19) VCF-style: chr1-100381008-C-G.
Other names: p.Leu1409Val; c.4225C>G, p.Leu1409Val (NM_000028.3, NM_000643.3, NM_000644.3 and 1 more transcripts); c.4177C>G, p.Leu1393Val (NM_000646.3); c.4204C>G, p.Leu1402Val (NM_001425326.1); c.4024C>G, p.Leu1342Val (NM_001425327.1); c.4021C>G, p.Leu1341Val (NM_001425328.1); c.3886C>G, p.Leu1296Val (NM_001425329.1); c.3847C>G, p.Leu1283Val (NM_001425332.1); short protein forms L1393V, L1409V, L1283V, L1296V, L1341V, L1342V, L1402V.
Identifiers: ClinVar variation 661818 (VCV000661818.8), dbSNP rs758570060, ClinGen allele CA27558620.
Genomic context (GRCh38, chr1:99,915,452, plus strand): 5'-CCTGAGCTCTTTACTACAGAAAAAGCATGGAAAGCTTTGGAGATTGCAGAAAAAAAATTG[C>G]TTGGTCCCCTTGGCATGAAAACTTTAGATCCAGAGTAAGTTGGAATATAAGTATTAAGAA-3'
Protein context (NP_000633.2, residues 1399-1419): KALEIAEKKL[Leu1409Val]GPLGMKTLDP

ClinVar aggregate classification (germline): Uncertain significance. Review status: criteria provided, multiple submitters, no conflicts (2 of 4 stars). 4 submissions from 4 submitters: Uncertain significance (4). Last evaluated 2023-08-16.

Conditions:
Glycogen storage disease type III (GSD3). Also called: FORBES DISEASE; Cori disease. Identifiers: Orphanet 366, MedGen C0017922, MONDO:0009291, OMIM 232400.

Allele frequency attached by ClinVar (database versions not stated): TOPMed 0.00001.
gnomAD v4.1: 2 of 1,613,448 alleles (0.00012%); highest among the groups gnomAD compares: Non-Finnish European, 0.00017%; no homozygotes.

Submissions (4):

Mayo Clinic Laboratories, Mayo Clinic
Classification: Uncertain significance. Last evaluated: 2023-08-16. Review status: criteria provided, single submitter. Criteria: ACMG Guidelines, 2015. Collection method: clinical testing. Allele origin: germline. Observed: 1 variant allele.
Comment: PM2_moderate

Labcorp Genetics (formerly Invitae), Labcorp
Classification: Uncertain significance for Glycogen storage disease type III. Last evaluated: 2021-09-01. Review status: criteria provided, single submitter. Criteria: Invitae Variant Classification Sherloc (09022015). Collection method: clinical testing. Allele origin: germline.
Comment: This sequence change replaces leucine with valine at codon 1409 of the AGL protein (p.Leu1409Val). The leucine residue is highly conserved and there is a small physicochemical difference between leucine and valine. This variant is not present in population databases (ExAC no frequency). This variant has not been reported in the literature in individuals affected with AGL-related conditions. Algorithms developed to predict the effect of missense changes on protein structure and function are either unavailable or do not agree on the potential impact of this missense change (SIFT: "Tolerated"; PolyPhen-2: "Possibly Damaging"; Align-GVGD: "Class C0"). Algorithms developed to predict the effect of sequence changes on RNA splicing suggest that this variant may create or strengthen a splice site. In summary, the available evidence is currently insufficient to determine the role of this variant in disease. Therefore, it has been classified as a Variant of Uncertain Significance.

Genome-Nilou Lab
Classification: Uncertain significance for Glycogen storage disease type III. Last evaluated: 2021-07-15. Review status: criteria provided, single submitter. Criteria: ACMG Guidelines, 2015. Collection method: clinical testing. Allele origin: germline. Affected: no.

Knight Diagnostic Laboratories, Oregon Health and Sciences University
Classification: Uncertain significance for Glycogen storage disease iii. Last evaluated: 2019-09-06. Review status: criteria provided, single submitter. Criteria: ACMG Guidelines, 2015. Collection method: clinical testing. Allele origin: germline. Observed: 1 variant allele.